The following is an entry in ClinVar:

ClinVar aggregate classification (germline): Uncertain significance (1 of 4 stars; one submission).

Conditions:
Hereditary nonpolyposis colorectal neoplasms. Identifiers: MedGen C0009405, MeSH D003123.

Allele frequency attached by ClinVar (database versions not stated): gnomAD exomes below 0.00001; ExAC 0.00001.
gnomAD v4.1: 1 of 1,613,860 alleles (0.000062%); highest among the groups gnomAD compares: South Asian, 0.0011%; no homozygotes.

Submission:

Labcorp Genetics (formerly Invitae), Labcorp
Classification: Uncertain significance for Hereditary nonpolyposis colorectal neoplasms. Last evaluated: 2023-03-04. Review status: criteria provided, single submitter. Criteria: Invitae Variant Classification Sherloc (09022015). Collection method: clinical testing. Allele origin: germline.
Comment: In summary, the available evidence is currently insufficient to determine the role of this variant in disease. Therefore, it has been classified as a Variant of Uncertain Significance. Advanced modeling of protein sequence and biophysical properties (such as structural, functional, and spatial information, amino acid conservation, physicochemical variation, residue mobility, and thermodynamic stability) performed at Invitae indicates that this missense variant is not expected to disrupt PMS2 protein function. This variant has not been reported in the literature in individuals affected with PMS2-related conditions. This variant is present in population databases (rs762579299, gnomAD 0.003%). This sequence change replaces serine, which is neutral and polar, with tyrosine, which is neutral and polar, at codon 535 of the PMS2 protein (p.Ser535Tyr).

NM_000535.7(PMS2):c.1604C>A (p.Ser535Tyr)

Gene: PMS2 (PMS1 homolog 2, mismatch repair system component; minus strand). Cytogenetic location: 7p22.1.
Variant type: single nucleotide variant.
Coding change: c.1604C>A on transcript NM_000535.7 (MANE Select); coding-DNA position 1604, C replaced by A.
Protein change: p.Ser535Tyr; replaces serine 535 with tyrosine.
Molecular consequence: missense variant. On other transcripts: non-coding transcript variant (1), intron variant (1).
Genome position (GRCh38, 1-based): chr7:5,987,161, G>T on the plus strand (C>A on the coding strand, the complement: PMS2 is on the minus strand). VCF-style: chr7-5987161-G-T. GRCh37 (hg19) VCF-style: chr7-6026792-G-T.
Other names: c.1286C>A, p.Ser429Tyr (NM_001322007.2, NM_001322008.2, NM_001406883.1 and 2 more transcripts); c.1199C>A, p.Ser400Tyr (NM_001322009.2, NM_001406896.1, NM_001406897.1 and 17 more transcripts); c.1043C>A, p.Ser348Tyr (NM_001322010.2, NM_001406906.1, NM_001406907.1); c.671C>A, p.Ser224Tyr (NM_001322011.2, NM_001322012.2); c.1031C>A, p.Ser344Tyr (NM_001322013.2, NM_001406909.1); c.1604C>A, p.Ser535Tyr (NM_001322014.2, NM_001406871.1, NM_001406872.1); c.1295C>A, p.Ser432Tyr (NM_001322015.2, NM_001406877.1, NM_001406878.1 and 5 more transcripts); c.1790C>A, p.Ser597Tyr (NM_001406866.1); and 13 more; short protein forms S344Y, S348Y, S377Y, S423Y, S432Y, S483Y, S278Y, S400Y.
Identifiers: ClinVar variation 2797212 (VCV002797212.3), dbSNP rs762579299, ClinGen allele CA044590.